The following is an entry in ClinVar:

ClinVar aggregate classification (germline): Conflicting classifications of pathogenicity. Review status: criteria provided, conflicting classifications (1 of 4 stars). 15 submissions from 15 submitters: Uncertain significance (1); Likely benign (12). 2 of the submissions do not count toward it. Last evaluated 2026-01-27.

Conditions:
ANK2-related disorder. Also called: ANK2-related condition.
Cardiovascular phenotype. Identifiers: MedGen CN230736.
Long QT syndrome (LQTS). Identifiers: MedGen C0023976, MeSH D008133, MONDO:0002442. Disease mechanism: loss of function. Inheritance: Various modes of inheritance.
Cardiac arrhythmia, ankyrin-B-related. Also called: ANKYRIN-B SYNDROME. Identifiers: Orphanet 101016, Orphanet 768, MedGen C1970119, MONDO:0010958, OMIM 600919.

Allele frequency attached by ClinVar (database versions not stated): ExAC 0.00086; 1000 Genomes Project 30x 0.00094; 1000 Genomes Project 0.00100; gnomAD 0.00065 and 0.00067; TOPMed 0.00065; gnomAD exomes 0.00070; ESP Exome Variant Server 0.00077.
gnomAD v4.1: 1,706 of 1,614,144 alleles (0.11%); highest among the groups gnomAD compares: Non-Finnish European, 0.14%; 3 homozygotes.

Submissions (15):

Labcorp Genetics (formerly Invitae), Labcorp
Classification: Likely benign for Long QT syndrome. Last evaluated: 2026-01-27. Review status: criteria provided, single submitter. Criteria: Invitae Variant Classification Sherloc (09022015). Collection method: clinical testing. Allele origin: germline.

Women's Health and Genetics/Laboratory Corporation of America, LabCorp
Classification: Likely benign. Last evaluated: 2025-12-11. Review status: criteria provided, single submitter. Criteria: LabCorp Variant Classification Summary - May 2015. Collection method: clinical testing. Allele origin: germline.

PreventionGenetics, part of Exact Sciences
Classification: Likely benign for ANK2-related condition. Last evaluated: 2025-10-23. Review status: criteria provided, single submitter. Criteria: ACMG Guidelines, 2015. Collection method: clinical testing. Allele origin: germline.
Comment: This variant is classified as likely benign based on ACMG/AMP sequence variant interpretation guidelines (Richards et al. 2015 PMID: 25741868, with internal and published modifications).

Molecular Diagnostic Laboratory for Inherited Cardiovascular Disease, Montreal Heart Institute
Classification: Likely benign. Last evaluated: 2025-04-09. Review status: criteria provided, single submitter. Criteria: ACMG Guidelines, 2015. Collection method: clinical testing. Allele origin: germline. Affected: no.
Comment: BS1;BP4

Blueprint Genetics
Classification: Likely benign. Last evaluated: 2024-11-26. Review status: criteria provided, single submitter. Criteria: ACMG Guidelines, 2015. Collection method: clinical testing. Allele origin: germline.

CeGaT Center for Human Genetics Tuebingen
Classification: Likely benign. Last evaluated: 2024-08-01. Review status: criteria provided, single submitter. Criteria: CeGaT Center For Human Genetics Tuebingen Variant Classification Criteria Version 2. Collection method: clinical testing. Allele origin: germline. Affected: yes. Observed: 1 variant allele.
Comment: ANK2: BP4, BS1

Dept of Medical Biology, Uskudar University
Classification: Uncertain significance for Long QT syndrome. Last evaluated: 2024-01-08. Review status: criteria provided, single submitter. Criteria: Dept of Medical Biology Variant Classification. Collection method: research. Allele origin: maternal. Affected: yes. Observed: 1 variant allele.
Comment: Criteria: BS1

GeneDx
Classification: Likely benign. Last evaluated: 2021-04-06. Review status: criteria provided, single submitter. Criteria: GeneDx Variant Classification Process June 2021. Collection method: clinical testing. Allele origin: germline. Affected: yes.

ARUP Laboratories, Molecular Genetics and Genomics, ARUP Laboratories
Classification: Likely benign. Last evaluated: 2020-10-29. Review status: criteria provided, single submitter. Criteria: ARUP Molecular Germline Variant Investigation Process 2021. Collection method: clinical testing. Allele origin: germline.

Ambry Genetics
Classification: Likely benign for Cardiovascular phenotype. Last evaluated: 2018-11-13. Review status: criteria provided, single submitter. Criteria: Ambry Variant Classification Scheme 2023. Collection method: clinical testing. Allele origin: germline.

Illumina Laboratory Services, Illumina
Classification: Likely benign for Cardiac arrhythmia, ankyrin-B-related. Last evaluated: 2018-01-13. Review status: criteria provided, single submitter. Criteria: ICSL Variant Classification Criteria 13 December 2019. Collection method: clinical testing. Allele origin: germline.
Comment: This variant was observed in the ICSL laboratory as part of a predisposition screen in an ostensibly healthy population. It had not been previously curated by ICSL or reported in the Human Gene Mutation Database (HGMD: prior to June 1st, 2018), and was therefore a candidate for classification through an automated scoring system. Utilizing variant allele frequency, disease prevalence and penetrance estimates, and inheritance mode, an automated score was calculated to assess if this variant is too frequent to cause the disease. Based on the score and internal cut-off values, a variant classified as likely benign is not then subjected to further curation. The score for this variant resulted in a classification of likely benign for this disease.

Genome Diagnostics Laboratory, University Medical Center Utrecht
Classification: Likely benign for Cardiac arrhythmia, ankyrin-B-related. Last evaluated: 2016-06-27. Review status: criteria provided, single submitter. Criteria: ACGS Guidelines, 2013. Collection method: clinical testing. Allele origin: germline. Affected: yes. Study: VKGL Data-share Consensus.

Breakthrough Genomics
Classification: Likely benign. Review status: criteria provided, single submitter. Criteria: ACMG Guidelines, 2015. Collection method: not provided. Allele origin: germline. Inheritance: Autosomal dominant inheritance. Affected: yes.

Clinical Genetics, Academic Medical Center
Classification: Likely benign. Review status: no assertion criteria provided. Collection method: clinical testing. Allele origin: germline. Affected: yes. Study: VKGL Data-share Consensus. Not counted in ClinVar's aggregate classification.

Joint Genome Diagnostic Labs from Nijmegen and Maastricht, Radboudumc and MUMC+
Classification: Likely benign. Review status: no assertion criteria provided. Collection method: clinical testing. Allele origin: germline. Affected: yes. Study: VKGL Data-share Consensus. Not counted in ClinVar's aggregate classification.

Literature cited by the submitters: PubMed 28600387 (cited by Ambry Genetics).

NM_001148.6(ANK2):c.6206G>A (p.Arg2069His)

Genes: ANK2 (ankyrin 2; plus strand), LOC126807136 (MED14-independent group 3 enhancer GRCh37_chr4:114274931-114276130; plus strand). Cytogenetic location: 4q26.
Variant type: single nucleotide variant.
Coding change: c.6206G>A on transcript NM_001148.6 (MANE Select); coding-DNA position 6206, G replaced by A.
Protein change: p.Arg2069His; replaces arginine 2069 with histidine.
Molecular consequence: missense variant. On other transcripts: intron variant (68).
Genome position (GRCh38, 1-based): chr4:113,354,824, G>A. VCF-style: chr4-113354824-G-A. GRCh37 (hg19) VCF-style: chr4-114275980-G-A.
Other names: c.5972G>A, p.Arg1991His (NM_001386142.1); c.2606G>A, p.Arg869His (NM_001386166.1); c.6347G>A, p.Arg2116His (NM_001386174.1); c.6323G>A, p.Arg2108His (NM_001386175.1); c.4411+4575G>A (NM_001386186.2, NM_001386148.2); c.4213+4575G>A (NM_001354269.3); c.4291+4575G>A (NM_001386187.2); c.4252+4575G>A (NM_001386147.1); and 36 more; short protein forms R2069H, R1991H, R2108H, R2116H, R869H.
Identifiers: ClinVar variation 180270 (VCV000180270.52), dbSNP rs149645600, ClinGen allele CA346171.